The following is an entry in ClinVar:

ClinVar aggregate classification (germline): Pathogenic (1 of 4 stars; one submission).

Conditions:
Cystic fibrosis (CF). Also called: MUCOVISCIDOSIS. Identifiers: Orphanet 586, MedGen C0010674, MONDO:0009061, OMIM 219700. Disease mechanism: loss of function.

Submission:

Labcorp Genetics (formerly Invitae), Labcorp
Classification: Pathogenic for Cystic fibrosis. Last evaluated: 2022-08-17. Review status: criteria provided, single submitter. Criteria: Invitae Variant Classification Sherloc (09022015). Collection method: clinical testing. Allele origin: germline.
Comment: For these reasons, this variant has been classified as Pathogenic. This variant has not been reported in the literature in individuals affected with CFTR-related conditions. This variant is not present in population databases (gnomAD no frequency). This sequence change creates a premature translational stop signal (p.Lys52*) in the CFTR gene. It is expected to result in an absent or disrupted protein product. Loss-of-function variants in CFTR are known to be pathogenic (PMID: 1695717, 7691345, 9725922).

Literature cited by the submitters: PubMed 1695717; PubMed 7691345; PubMed 9725922.

NM_000492.4(CFTR):c.154A>T (p.Lys52Ter)

Gene: CFTR (CF transmembrane conductance regulator; plus strand). Cytogenetic location: 7q31.2.
Variant type: single nucleotide variant.
Coding change: c.154A>T on transcript NM_000492.4 (MANE Select); coding-DNA position 154, A replaced by T.
Protein change: p.Lys52Ter; replaces lysine 52 with a stop codon.
Molecular consequence: nonsense.
Genome position (GRCh38, 1-based): chr7:117,504,353, A>T. VCF-style: chr7-117504353-A-T. GRCh37 (hg19) VCF-style: chr7-117144407-A-T.
Other names: short protein forms K52*.
Identifiers: ClinVar variation 2001311 (VCV002001311.4), dbSNP rs2484968431, ClinGen allele CA368987489.